The following is an entry in ClinVar:

ClinVar aggregate classification (germline): Uncertain significance (1 of 4 stars; one submission).

Conditions:
Baller-Gerold syndrome (BGS). Also called: CRANIOSYNOSTOSIS WITH RADIAL DEFECTS. Identifiers: Orphanet 1225, MedGen C0265308, MONDO:0009039, OMIM 218600.

Submission:

Labcorp Genetics (formerly Invitae), Labcorp
Classification: Uncertain significance for Baller-Gerold syndrome. Last evaluated: 2019-10-18. Review status: criteria provided, single submitter. Criteria: Invitae Variant Classification Sherloc (09022015). Collection method: clinical testing. Allele origin: germline.
Comment: This variant has not been reported in the literature in individuals with RECQL4-related conditions. This variant is not present in population databases (ExAC no frequency). This sequence change replaces proline with alanine at codon 142 of the RECQL4 protein (p.Pro142Ala). The proline residue is moderately conserved and there is a small physicochemical difference between proline and alanine. Algorithms developed to predict the effect of missense changes on protein structure and function are either unavailable or do not agree on the potential impact of this missense change (SIFT: "Tolerated"; PolyPhen-2: "Not Available"; Align-GVGD: "Class C0"). In summary, the available evidence is currently insufficient to determine the role of this variant in disease. Therefore, it has been classified as a Variant of Uncertain Significance.

NM_004260.4(RECQL4):c.424C>G (p.Pro142Ala)

Gene: RECQL4 (RecQ like helicase 4; minus strand). Cytogenetic location: 8q24.3.
Variant type: single nucleotide variant.
Coding change: c.424C>G on transcript NM_004260.4 (MANE Select); coding-DNA position 424, C replaced by G.
Protein change: p.Pro142Ala; replaces proline 142 with alanine.
Molecular consequence: missense variant.
Genome position (GRCh38, 1-based): chr8:144,516,695, G>C on the plus strand (C>G on the coding strand, the complement: RECQL4 is on the minus strand). VCF-style: chr8-144516695-G-C. GRCh37 (hg19) VCF-style: chr8-145742079-G-C.
Other names: short protein forms P142A.
Identifiers: ClinVar variation 964825 (VCV000964825.5), dbSNP rs781248589, ClinGen allele CA372691537.